The following is an entry in ClinVar:

NM_001429.4(EP300):c.4423_4426delinsTGA (p.Val1475_Ser1476delinsTer)

Gene: EP300 (EP300 lysine acetyltransferase; plus strand). Cytogenetic location: 22q13.2.
Variant type: Indel.
Coding change: c.4423_4426delinsTGA on transcript NM_001429.4 (MANE Select); coding-DNA positions 4423 to 4426, GTAT replaced by TGA.
Protein change: p.Val1475_Ser1476delinsTer.
Molecular consequence: nonsense.
Genome position (GRCh38, 1-based): chr22:41,170,542-41,170,545, GTAT replaced by TGA. VCF-style: chr22-41170542-GTAT-TGA. GRCh37 (hg19) VCF-style: chr22-41566546-GTAT-TGA.
Other names: c.4345_4348delinsTGA, p.Val1449_Ser1450delinsTer (NM_001362843.2).
Identifiers: ClinVar variation 4530657 (VCV004530657.1).

ClinVar aggregate classification (germline): Likely pathogenic (0 of 4 stars; one submission).

Conditions:
Rubinstein-Taybi syndrome due to EP300 haploinsufficiency. Also called: EP300-Related Rubinstein-Taybi Syndrome; RUBINSTEIN-TAYBI SYNDROME 2. Identifiers: Orphanet 353284, Orphanet 783, MedGen C3150941, MONDO:0013364, OMIM 613684.

Submission:

Diagnostics Centre, Carl Von Ossietzky University Oldenburg
Classification: Likely pathogenic for Rubinstein-Taybi syndrome due to EP300 haploinsufficiency. Last evaluated: 2025-02-07. Review status: no assertion criteria provided. Collection method: clinical testing. Allele origin: germline. Affected: yes. Observed: 1 variant allele.
Comment: The variant EP300:c.4423_4426delinsTGA p.(Val1475Ter), located in the coding exon 27 results in a frameshift and the formation of a premature stop codon at this position 1475. The variant affects an exon [27/31] present in a biologically relevant transcript and is predicted to cause protein truncation/absent due to nonsense mediated decay in a gene where loss-of-function is a known mechanism of disease. The variant has not yet been described in ClinVar or any other scientific publication known to us. The variant is classified as very rare since it is absent in gnomAD v4.1.0. In summary, this variant is classified as Likely pathogenic